The following is an entry in ClinVar:

ClinVar aggregate classification (germline): Likely benign (1 of 4 stars; one submission).

gnomAD v4.1: 1 of 1,612,470 alleles (0.000062%); highest among the groups gnomAD compares: Admixed American, 0.0017%; no homozygotes.

Submission:

CeGaT Center for Human Genetics Tuebingen
Classification: Likely benign. Last evaluated: 2026-08-01. Review status: criteria provided, single submitter. Criteria: CeGaT Center For Human Genetics Tuebingen Variant Classification Criteria Version 2. Collection method: clinical testing. Allele origin: germline. Affected: yes. Observed: 2 variant alleles.
Comment: MAPK8IP3: BP4, BP7

NM_001318852.2(MAPK8IP3):c.2913C>G (p.Thr971=)

Gene: MAPK8IP3 (mitogen-activated protein kinase 8 interacting protein 3; plus strand). Cytogenetic location: 16p13.3.
Variant type: single nucleotide variant.
Coding change: c.2913C>G on transcript NM_001318852.2 (MANE Select); coding-DNA position 2913, C replaced by G.
Protein change: p.Thr971=; no amino-acid change (threonine 971 retained).
Molecular consequence: synonymous variant.
Genome position (GRCh38, 1-based): chr16:1,766,622, C>G. VCF-style: chr16-1766622-C-G. GRCh37 (hg19) VCF-style: chr16-1816623-C-G.
Other names: c.2892C>G, p.Thr964= (NM_001040439.2); c.2910C>G, p.Thr970= (NM_015133.5).
Identifiers: ClinVar variation 4875386 (VCV004875386.2).